The following is an entry in ClinVar:

NM_015046.7(SETX):c.*351G>T

Gene: SETX (senataxin; minus strand). Cytogenetic location: 9q34.13.
Variant type: single nucleotide variant.
Coding change: c.*351G>T on transcript NM_015046.7 (MANE Select); 351 bases downstream of the stop codon, G replaced by T.
Molecular consequence: 3 prime UTR variant.
Genome position (GRCh38, 1-based): chr9:132,263,888, C>A on the plus strand (G>T on the coding strand, the complement: SETX is on the minus strand). VCF-style: chr9-132263888-C-A. GRCh37 (hg19) VCF-style: chr9-135139275-C-A.
Other names: c.*351G>T (NM_001351527.2, NM_001351528.2).
Identifiers: ClinVar variation 365333 (VCV000365333.8), dbSNP rs117409290, ClinGen allele CA10632892.

ClinVar aggregate classification (germline): Benign/Likely benign. Review status: criteria provided, multiple submitters, no conflicts (2 of 4 stars). 6 submissions from 4 submitters: Benign (4); Likely benign (2). Last evaluated 2023-02-08.

Conditions:
Amyotrophic lateral sclerosis type 4 (ALS4). Also called: AMYOTROPHIC LATERAL SCLEROSIS 4, JUVENILE; NEURONOPATHY, DISTAL HEREDITARY MOTOR, WITH PYRAMIDAL FEATURES. Identifiers: Orphanet 357043, MedGen C1865409, MONDO:0011223, OMIM 602433.
Spinocerebellar ataxia, autosomal recessive, with axonal neuropathy 2 (SCAN2). Also called: ATAXIA-OCULOMOTOR APRAXIA 2; Ataxia-ocular apraxia-2; Ataxia with Oculomotor Apraxia; Ataxia with Oculomotor Apraxia Type 2. Identifiers: Orphanet 64753, MedGen C1853761, MONDO:0018996, OMIM 606002.

Allele frequency attached by ClinVar (database versions not stated): 1000 Genomes Project 0.00819; 1000 Genomes Project 30x 0.00890; TOPMed 0.01011; gnomAD 0.01233 and 0.01236; gnomAD exomes 0.01432.

Submissions (6):

Genome-Nilou Lab
Classification: Benign for Amyotrophic lateral sclerosis type 4. Last evaluated: 2023-02-08. Review status: criteria provided, single submitter. Criteria: ACMG Guidelines, 2015. Collection method: clinical testing. Allele origin: germline.

Genome-Nilou Lab
Classification: Benign for Spinocerebellar ataxia, autosomal recessive, with axonal neuropathy 2. Last evaluated: 2023-02-08. Review status: criteria provided, single submitter. Criteria: ACMG Guidelines, 2015. Collection method: clinical testing. Allele origin: germline.

GeneDx
Classification: Likely benign. Last evaluated: 2021-05-19. Review status: criteria provided, single submitter. Criteria: GeneDx Variant Classification Process June 2021. Collection method: clinical testing. Allele origin: germline. Affected: yes.

Illumina Laboratory Services, Illumina
Classification: Benign for Spinocerebellar ataxia, autosomal recessive, with axonal neuropathy 2. Last evaluated: 2018-01-12. Review status: criteria provided, single submitter. Criteria: ICSL Variant Classification Criteria 13 December 2019. Collection method: clinical testing. Allele origin: germline.
Comment: This variant was observed in the ICSL laboratory as part of a predisposition screen in an ostensibly healthy population. It had not been previously curated by ICSL or reported in the Human Gene Mutation Database (HGMD: prior to June 1st, 2018), and was therefore a candidate for classification through an automated scoring system. Utilizing variant allele frequency, disease prevalence and penetrance estimates, and inheritance mode, an automated score was calculated to assess if this variant is too frequent to cause the disease. Based on the score and internal cut-off values, a variant classified as benign is not then subjected to further curation. The score for this variant resulted in a classification of benign for this disease.

Illumina Laboratory Services, Illumina
Classification: Benign for Amyotrophic lateral sclerosis type 4. Last evaluated: 2018-01-12. Review status: criteria provided, single submitter. Criteria: ICSL Variant Classification Criteria 13 December 2019. Collection method: clinical testing. Allele origin: germline.
Comment: the same text as in the submission from Illumina Laboratory Services, Illumina above.

Breakthrough Genomics
Classification: Likely benign. Review status: criteria provided, single submitter. Criteria: ACMG Guidelines, 2015. Collection method: not provided. Allele origin: germline. Inheritance: Autosomal recessive inheritance. Affected: yes.